The following is an entry in ClinVar:

NM_001250.6(CD40):c.52-15C>T

Gene: CD40 (CD40 molecule; plus strand). Cytogenetic location: 20q13.12.
Variant type: single nucleotide variant.
Coding change: c.52-15C>T on transcript NM_001250.6 (MANE Select); 15 bases into the intron before coding-DNA position 52, C replaced by T.
Molecular consequence: intron variant.
Genome position (GRCh38, 1-based): chr20:46,121,805, C>T. VCF-style: chr20-46121805-C-T. GRCh37 (hg19) VCF-style: chr20-44750444-C-T.
Other names: c.52-15C>T (LRG_40t1, NM_001302753.2, NM_001322421.2 and 3 more transcripts).
Identifiers: ClinVar variation 338570 (VCV000338570.13), dbSNP rs187683423, ClinGen allele CA9888353.

ClinVar aggregate classification (germline): Benign/Likely benign. Review status: criteria provided, multiple submitters, no conflicts (2 of 4 stars). 2 submissions from 2 submitters: Benign (1); Likely benign (1). Last evaluated 2026-01-25.

Conditions:
Hyper-IgM syndrome type 3. Also called: Hyper-IgM Immunodeficiency Syndrome, Type 3. Identifiers: Orphanet 101090, MedGen C1720957, MONDO:0011735, OMIM 606843.

Allele frequency attached by ClinVar (database versions not stated): 1000 Genomes Project 30x 0.00016; 1000 Genomes Project 0.00020; TOPMed 0.00020; ESP Exome Variant Server 0.00062; gnomAD exomes 0.00151 and 0.00321; gnomAD 0.00235 and 0.00253; ExAC 0.00323.
gnomAD v4.1: 2,553 of 1,604,908 alleles (0.16%); highest among the groups gnomAD compares: Non-Finnish European, 0.04%; 38 homozygotes.

Submissions (2):

Labcorp Genetics (formerly Invitae), Labcorp
Classification: Benign. Last evaluated: 2026-01-25. Review status: criteria provided, single submitter. Criteria: Invitae Variant Classification Sherloc (09022015). Collection method: clinical testing. Allele origin: germline.

Illumina Laboratory Services, Illumina
Classification: Likely benign for Hyper-IgM syndrome type 3. Last evaluated: 2018-01-12. Review status: criteria provided, single submitter. Criteria: ICSL Variant Classification Criteria 13 December 2019. Collection method: clinical testing. Allele origin: germline.
Comment: This variant was observed in the ICSL laboratory as part of a predisposition screen in an ostensibly healthy population. It had not been previously curated by ICSL or reported in the Human Gene Mutation Database (HGMD: prior to June 1st, 2018), and was therefore a candidate for classification through an automated scoring system. Utilizing variant allele frequency, disease prevalence and penetrance estimates, and inheritance mode, an automated score was calculated to assess if this variant is too frequent to cause the disease. Based on the score and internal cut-off values, a variant classified as likely benign is not then subjected to further curation. The score for this variant resulted in a classification of likely benign for this disease.